The following is an entry in ClinVar:

NM_007194.4(CHEK2):c.50C>G (p.Ala17Gly)

Gene: CHEK2 (checkpoint kinase 2; minus strand). Cytogenetic location: 22q12.1.
Variant type: single nucleotide variant.
Coding change: c.50C>G on transcript NM_007194.4 (MANE Select); coding-DNA position 50, C replaced by G.
Protein change: p.Ala17Gly; replaces alanine 17 with glycine.
Molecular consequence: missense variant.
Genome position (GRCh38, 1-based): chr22:28,734,672, G>C on the plus strand (C>G on the coding strand, the complement: CHEK2 is on the minus strand). VCF-style: chr22-28734672-G-C. GRCh37 (hg19) VCF-style: chr22-29130660-G-C.
Other names: c.50C>G, p.Ala17Gly (NM_001005735.3, NM_001349956.3, NM_145862.3); c.-728C>G (NM_001257387.3); short protein forms A17G.
Identifiers: ClinVar variation 2043955 (VCV002043955.4), dbSNP rs2146154904, ClinGen allele CA411091874.
Genomic context (GRCh38, chr22:28,734,672, plus strand): 5'-CCCTGGGACTGTGAGGAGGAGCCTTGGGACTGGGTAACGCTGCCATGGGGCTGTGAACAG[G>C]CACTGCTGCCATGAGACTGCTGAGCCTCAACATCCGACTCCCGAGACATCACGACCTCAA-3'
Protein context (NP_009125.1, residues 7-27): VEAQQSHGSS[Ala17Gly]CSQPHGSVTQ

ClinVar aggregate classification (germline): Uncertain significance (1 of 4 stars; one submission).

Conditions:
Familial cancer of breast. Also called: hereditary breast carcinoma; Hereditary breast cancer; BREAST CANCER, FAMILIAL. Identifiers: Orphanet 227535, MedGen C0346153, MONDO:0016419, OMIM 114480. Disease mechanism: loss of function.

Submission:

Labcorp Genetics (formerly Invitae), Labcorp
Classification: Uncertain significance for Familial cancer of breast. Last evaluated: 2021-12-15. Review status: criteria provided, single submitter. Criteria: Invitae Variant Classification Sherloc (09022015). Collection method: clinical testing. Allele origin: germline.
Comment: In summary, the available evidence is currently insufficient to determine the role of this variant in disease. Therefore, it has been classified as a Variant of Uncertain Significance. Algorithms developed to predict the effect of missense changes on protein structure and function (SIFT, PolyPhen-2, Align-GVGD) all suggest that this variant is likely to be tolerated. This variant has not been reported in the literature in individuals affected with CHEK2-related conditions. This variant is not present in population databases (gnomAD no frequency). This sequence change replaces alanine, which is neutral and non-polar, with glycine, which is neutral and non-polar, at codon 17 of the CHEK2 protein (p.Ala17Gly).